The following is an entry in ClinVar:

ClinVar aggregate classification (germline): Uncertain significance (1 of 4 stars; one submission).

Conditions:
Congenital myasthenic syndrome 8. Also called: MYASTHENIC SYNDROME, CONGENITAL, DUE TO AGRIN DEFICIENCY; Myasthenic syndrome, congenital, 8, with pre- and postsynaptic defects. Identifiers: Orphanet 590, MedGen C3808739, MONDO:0014052, OMIM 615120.

Allele frequency attached by ClinVar (database versions not stated): gnomAD exomes 0.00001.
gnomAD v4.1: 16 of 1,613,686 alleles (0.00099%); highest among the groups gnomAD compares: South Asian, 0.018%; no homozygotes.

Submission:

Labcorp Genetics (formerly Invitae), Labcorp
Classification: Uncertain significance for Congenital myasthenic syndrome 8. Last evaluated: 2020-01-19. Review status: criteria provided, single submitter. Criteria: Invitae Variant Classification Sherloc (09022015). Collection method: clinical testing. Allele origin: germline.
Comment: In summary, the available evidence is currently insufficient to determine the role of this variant in disease. Therefore, it has been classified as a Variant of Uncertain Significance. Algorithms developed to predict the effect of missense changes on protein structure and function are either unavailable or do not agree on the potential impact of this missense change (SIFT: "Deleterious"; PolyPhen-2: "Probably Damaging"; Align-GVGD: "Class C0"). This variant has not been reported in the literature in individuals with AGRN-related conditions. This variant is not present in population databases (ExAC no frequency). This sequence change replaces glycine with arginine at codon 945 of the AGRN protein (p.Gly945Arg). The glycine residue is moderately conserved and there is a moderate physicochemical difference between glycine and arginine.

NM_198576.4(AGRN):c.2833G>C (p.Gly945Arg)

Gene: AGRN (agrin; plus strand). Cytogenetic location: 1p36.33.
Variant type: single nucleotide variant.
Coding change: c.2833G>C on transcript NM_198576.4 (MANE Select); coding-DNA position 2833, G replaced by C.
Protein change: p.Gly945Arg; replaces glycine 945 with arginine.
Molecular consequence: missense variant.
Genome position (GRCh38, 1-based): chr1:1,046,187, G>C. VCF-style: chr1-1046187-G-C. GRCh37 (hg19) VCF-style: chr1-981567-G-C.
Other names: c.2833G>C, p.Gly945Arg (NM_001305275.2); c.2518G>C, p.Gly840Arg (NM_001364727.2); short protein forms G945R, G840R.
Identifiers: ClinVar variation 843367 (VCV000843367.9), dbSNP rs911274904, ClinGen allele CA337844060.
Genomic context (GRCh38, chr1:1,046,187, plus strand): 5'-CCTCGCCTTGAACATCCTTGTTCTCTGCCCCAGGTCTGTGGGTCAGATGGAGTCACATAC[G>C]GCAACGAGTGTCAGCTGAAGACCATCGCCTGCCGCCAGGGCCTGCAAATCTCTATCCAGA-3'
Protein context (NP_940978.2, residues 935-955): KVCGSDGVTY[Gly945Arg]NECQLKTIAC